The following is an entry in ClinVar:

ClinVar aggregate classification (germline): Uncertain significance (1 of 4 stars; one submission).

Allele frequency attached by ClinVar (database versions not stated): gnomAD exomes below 0.00001; TOPMed below 0.00001; ExAC 0.00003.
gnomAD v4.1: 1 of 1,593,176 alleles (0.000063%); highest among the groups gnomAD compares: Non-Finnish European, 0.000085%; no homozygotes.

Submission:

GeneDx
Classification: Uncertain significance. Last evaluated: 2019-08-22. Review status: criteria provided, single submitter. Criteria: GeneDx Variant Classification Process June 2021. Collection method: clinical testing. Allele origin: germline. Affected: yes.
Comment: In silico analysis, which includes protein predictors and evolutionary conservation, supports a deleterious effect; Has not been previously published as pathogenic or benign to our knowledge

NM_001330311.2(DVL1):c.1883G>T (p.Ser628Ile)

Gene: DVL1 (dishevelled segment polarity protein 1; minus strand). Cytogenetic location: 1p36.33.
Variant type: single nucleotide variant.
Coding change: c.1883G>T on transcript NM_001330311.2 (MANE Select); coding-DNA position 1883, G replaced by T.
Protein change: p.Ser628Ile; replaces serine 628 with isoleucine.
Molecular consequence: missense variant.
Genome position (GRCh38, 1-based): chr1:1,336,347, C>A on the plus strand (G>T on the coding strand, the complement: DVL1 is on the minus strand). VCF-style: chr1-1336347-C-A. GRCh37 (hg19) VCF-style: chr1-1271727-C-A.
Other names: c.1808G>T, p.Ser603Ile (NM_004421.3); short protein forms S603I, S628I.
Identifiers: ClinVar variation 1309231 (VCV001309231.2), dbSNP rs749795230, ClinGen allele CA519792.
Genomic context (GRCh38, chr1:1,336,347, plus strand): 5'-GTCGTGGGGTGGGGCGGGGGGAGCCCCGGGGCGGTAGCCGAGGCCTGACTGCGTGGGCTG[C>A]TGCCACGGCTGAGCTGGCCGGCCGGACGCTCTCGCCAGCTGCTCCCCACCCCACTCGGTG-3'
Protein context (NP_001317240.1, residues 618-638): ERPAGQLSRG[Ser628Ile]SPRSQASATA